The following is an entry in ClinVar:

ClinVar aggregate classification (germline): Pathogenic. Review status: criteria provided, multiple submitters, no conflicts (2 of 4 stars). 4 submissions from 3 submitters: Pathogenic (4). Last evaluated 2021-07-15.

Conditions:
Inborn genetic diseases. Identifiers: MedGen C0950123, MeSH D030342.
ARID1B-related BAFopathy.
Coffin-Siris syndrome 1 (CSS1). Also called: ARID1B-Related Coffin-Siris Syndrome; Mental retardation, autosomal dominant 12. Identifiers: Orphanet 1465, MedGen C3281201, MONDO:0007617, OMIM 135900. Disease mechanism: gain of function.

Submissions (4):

Genome-Nilou Lab
Classification: Pathogenic for Coffin-Siris syndrome 1. Last evaluated: 2021-07-15. Review status: criteria provided, single submitter. Criteria: ACMG Guidelines, 2015. Collection method: clinical testing. Allele origin: germline. Affected: no.

Baylor Genetics
Classification: Pathogenic for ARID1B-related BAFopathy. Last evaluated: 2021-06-10. Review status: criteria provided, single submitter. Criteria: ACMG Guidelines, 2015. Collection method: clinical testing. Allele origin: de novo. Affected: yes.

Baylor Genetics
Classification: Pathogenic for Coffin-Siris syndrome 1. Last evaluated: 2017-09-01. Review status: criteria provided, single submitter. Criteria: ACMG Guidelines, 2015. Collection method: clinical testing. Allele origin: de novo. Inheritance: Autosomal dominant inheritance. Affected: yes.
Comment: This nonsense mutation is categorized as deleterious according to ACMG guidelines (PMID:18414213).

Ambry Genetics
Classification: Pathogenic for Inborn genetic diseases. Last evaluated: 2015-02-26. Review status: criteria provided, single submitter. Criteria: Ambry exome assertion method (8-5-2015). Collection method: clinical testing. Allele origin: germline. Affected: yes. Observed: 1 variant allele.

Literature cited by the submitters: PubMed 25326635 (cited by Baylor Genetics).

NM_001374828.1(ARID1B):c.1867C>T (p.Gln623Ter)

Gene: ARID1B (AT-rich interaction domain 1B; plus strand). Cytogenetic location: 6q25.3.
Variant type: single nucleotide variant.
Coding change: c.1867C>T on transcript NM_001374828.1 (MANE Select); coding-DNA position 1867, C replaced by T.
Protein change: p.Gln623Ter; replaces glutamine 623 with a stop codon.
Molecular consequence: nonsense.
Genome position (GRCh38, 1-based): chr6:156,829,302, C>T. VCF-style: chr6-156829302-C-T. GRCh37 (hg19) VCF-style: chr6-157150436-C-T.
Other names: c.1618C>T, p.Gln540Ter (NM_020732.3); c.1867C>T, p.Gln623Ter (NM_001371656.1, NM_001374820.1, NM_017519.3); short protein forms Q540*, Q623*.
Identifiers: ClinVar variation 520639 (VCV000520639.8), dbSNP rs1554256703, ClinGen allele CA366384047.